The following is an entry in ClinVar:

NM_001852.4(COL9A2):c.1603+6G>A

Gene: COL9A2 (collagen type IX alpha 2 chain; minus strand). Cytogenetic location: 1p34.2.
Variant type: single nucleotide variant.
Coding change: c.1603+6G>A on transcript NM_001852.4 (MANE Select); 6 bases into the intron after coding-DNA position 1603, G replaced by A.
Molecular consequence: intron variant.
Genome position (GRCh38, 1-based): chr1:40,303,125, C>T on the plus strand (G>A on the coding strand, the complement: COL9A2 is on the minus strand). VCF-style: chr1-40303125-C-T. GRCh37 (hg19) VCF-style: chr1-40768797-C-T.
Identifiers: ClinVar variation 4729525 (VCV004729525.1).

ClinVar aggregate classification (germline): Uncertain significance (1 of 4 stars; one submission).

gnomAD v4.1: 1 of 1,612,134 alleles (0.000062%); no homozygotes.

Submission:

Labcorp Genetics (formerly Invitae), Labcorp
Classification: Uncertain significance. Last evaluated: 2025-12-01. Review status: criteria provided, single submitter. Criteria: Invitae Variant Classification Sherloc (09022015). Collection method: clinical testing. Allele origin: germline.
Comment: This sequence change falls in intron 29 of the COL9A2 gene. It does not directly change the encoded amino acid sequence of the COL9A2 protein. It affects a nucleotide within the consensus splice site. This variant is not present in population databases (gnomAD no frequency). This variant has not been reported in the literature in individuals affected with COL9A2-related conditions. Variants that disrupt the consensus splice site are a relatively common cause of aberrant splicing (PMID: 17576681, 9536098). Algorithms developed to predict the effect of sequence changes on RNA splicing suggest that this variant is not likely to affect RNA splicing. In summary, the available evidence is currently insufficient to determine the role of this variant in disease. Therefore, it has been classified as a Variant of Uncertain Significance.

Literature cited by the submitters: PubMed 17576681; PubMed 9536098.